The following is an entry in ClinVar:

NM_004329.3(BMPR1A):c.1424G>C (p.Cys475Ser)

Gene: BMPR1A (bone morphogenetic protein receptor type 1A; plus strand). Cytogenetic location: 10q23.2.
Variant type: single nucleotide variant.
Coding change: c.1424G>C on transcript NM_004329.3 (MANE Select); coding-DNA position 1424, G replaced by C.
Protein change: p.Cys475Ser; replaces cysteine 475 with serine.
Molecular consequence: missense variant.
Genome position (GRCh38, 1-based): chr10:86,923,457, G>C. VCF-style: chr10-86923457-G-C. GRCh37 (hg19) VCF-style: chr10-88683214-G-C.
Other names: short protein forms C475S.
Identifiers: ClinVar variation 1518582 (VCV001518582.8), dbSNP rs1843696315, ClinGen allele CA377463041.

ClinVar aggregate classification (germline): Uncertain significance (1 of 4 stars; one submission).

Conditions:
Juvenile polyposis syndrome (JPS). Identifiers: Orphanet 2929, MedGen C0345893, MONDO:0017380, OMIM 174900.

Submission:

Labcorp Genetics (formerly Invitae), Labcorp
Classification: Uncertain significance for Juvenile polyposis syndrome. Last evaluated: 2023-03-31. Review status: criteria provided, single submitter. Criteria: Invitae Variant Classification Sherloc (09022015). Collection method: clinical testing. Allele origin: germline.
Comment: In summary, the available evidence is currently insufficient to determine the role of this variant in disease. Therefore, it has been classified as a Variant of Uncertain Significance. Advanced modeling of protein sequence and biophysical properties (such as structural, functional, and spatial information, amino acid conservation, physicochemical variation, residue mobility, and thermodynamic stability) has been performed at Invitae for this missense variant, however the output from this modeling did not meet the statistical confidence thresholds required to predict the impact of this variant on BMPR1A protein function. ClinVar contains an entry for this variant (Variation ID: 1518582). This variant has not been reported in the literature in individuals affected with BMPR1A-related conditions. This variant is not present in population databases (gnomAD no frequency). This sequence change replaces cysteine, which is neutral and slightly polar, with serine, which is neutral and polar, at codon 475 of the BMPR1A protein (p.Cys475Ser).